The following is an entry in ClinVar:

NM_001040108.2(MLH3):c.415A>G (p.Arg139Gly)

Gene: MLH3 (mutL homolog 3; minus strand). Cytogenetic location: 14q24.3.
Variant type: single nucleotide variant.
Coding change: c.415A>G on transcript NM_001040108.2 (MANE Select); coding-DNA position 415, A replaced by G.
Protein change: p.Arg139Gly; replaces arginine 139 with glycine.
Molecular consequence: missense variant.
Genome position (GRCh38, 1-based): chr14:75,049,241, T>C on the plus strand (A>G on the coding strand, the complement: MLH3 is on the minus strand). VCF-style: chr14-75049241-T-C. GRCh37 (hg19) VCF-style: chr14-75515944-T-C.
Other names: c.415A>G, p.Arg139Gly (NM_014381.3); short protein forms R139G.
Identifiers: ClinVar variation 1738317 (VCV001738317.4), dbSNP rs768937255, ClinGen allele CA7276037.

ClinVar aggregate classification (germline): Uncertain significance. Review status: criteria provided, multiple submitters, no conflicts (2 of 4 stars). 2 submissions from 2 submitters: Uncertain significance (2). Last evaluated 2024-01-26.

Conditions:
Colorectal cancer. Also called: Colorectal cancer, somatic; Malignant Colorectal Neoplasm. Identifiers: MedGen C0346629, MONDO:0005575, OMIM 114500.
Endometrial carcinoma. Also called: Endometrial carcinoma, somatic. Identifiers: MedGen C0476089, MONDO:0002447, OMIM 608089, HP:0012114.
Colorectal cancer, hereditary nonpolyposis, type 7. Identifiers: Orphanet 144, MedGen C1858380, MONDO:0013725, OMIM 614385.

Allele frequency attached by ClinVar (database versions not stated): gnomAD exomes below 0.00001; TOPMed below 0.00001; ExAC 0.00001.
gnomAD v4.1: 2 of 1,614,250 alleles (0.00012%); highest among the groups gnomAD compares: African/African-American, 0.0013%; no homozygotes.

Submissions (2):

Fulgent Genetics
Classification: Uncertain significance for Colorectal cancer; Endometrial carcinoma; Colorectal cancer, hereditary nonpolyposis, type 7. Last evaluated: 2024-01-26. Review status: criteria provided, single submitter. Criteria: ACMG Guidelines, 2015. Collection method: clinical testing. Allele origin: germline.

Ambry Genetics
Classification: Uncertain significance. Last evaluated: 2023-09-05. Review status: criteria provided, single submitter. Criteria: Ambry Variant Classification Scheme 2023. Collection method: clinical testing. Allele origin: germline.
Comment: The p.R139G variant (also known as c.415A>G), located in coding exon 1 of the MLH3 gene, results from an A to G substitution at nucleotide position 415. The arginine at codon 139 is replaced by glycine, an amino acid with dissimilar properties. This amino acid position is conserved. In addition, this alteration is predicted to be deleterious by in silico analysis. Since supporting evidence is limited at this time, the clinical significance of this alteration remains unclear.